The following is an entry in ClinVar:

ClinVar aggregate classification (germline): Likely benign (1 of 4 stars; one submission).

Conditions:
Familial cancer of breast. Also called: BREAST CANCER, FAMILIAL; Hereditary breast cancer; hereditary breast carcinoma. Identifiers: Orphanet 227535, MedGen C0346153, MONDO:0016419, OMIM 114480. Disease mechanism: loss of function.

Submission:

Myriad Genetics, Inc.
Classification: Likely benign for Familial cancer of breast. Last evaluated: 2024-05-23. Review status: criteria provided, single submitter. Criteria: Myriad Autosomal Dominant, Autosomal Recessive and X-Linked Classification Criteria (2023). Collection method: clinical testing. Allele origin: unknown.
Comment: This variant is considered likely benign. This variant is intronic and is not expected to impact mRNA splicing.

NM_000051.4(ATM):c.5497-13T>C

Gene: ATM (ATM serine/threonine kinase; plus strand). Cytogenetic location: 11q22.3.
Variant type: single nucleotide variant.
Coding change: c.5497-13T>C on transcript NM_000051.4 (MANE Select); 13 bases into the intron before coding-DNA position 5497, T replaced by C.
Molecular consequence: intron variant.
Genome position (GRCh38, 1-based): chr11:108,304,662, T>C. VCF-style: chr11-108304662-T-C. GRCh37 (hg19) VCF-style: chr11-108175389-T-C.
Other names: c.5497-13T>C (NM_001351834.2).
Identifiers: ClinVar variation 3253853 (VCV003253853.1), dbSNP rs2546986541.